The following is an entry in ClinVar:

ClinVar aggregate classification (germline): Uncertain significance (1 of 4 stars; one submission).

Conditions:
Familial adenomatous polyposis 1 (FAP1). Also called: FAMILIAL ADENOMATOUS POLYPOSIS 1, ATTENUATED; POLYPOSIS, ADENOMATOUS INTESTINAL. Identifiers: MedGen C2713442, MONDO:0021056, OMIM 175100. Disease mechanism: loss of function.

Submission:

Labcorp Genetics (formerly Invitae), Labcorp
Classification: Uncertain significance for Familial adenomatous polyposis 1. Last evaluated: 2024-04-01. Review status: criteria provided, single submitter. Criteria: Invitae Variant Classification Sherloc (09022015). Collection method: clinical testing. Allele origin: germline.
Comment: This sequence change replaces methionine, which is neutral and non-polar, with threonine, which is neutral and polar, at codon 18 of the APC protein (p.Met18Thr). This variant is not present in population databases (gnomAD no frequency). This variant has not been reported in the literature in individuals affected with APC-related conditions. Advanced modeling of protein sequence and biophysical properties (such as structural, functional, and spatial information, amino acid conservation, physicochemical variation, residue mobility, and thermodynamic stability) performed at Invitae indicates that this missense variant is not expected to disrupt APC protein function with a negative predictive value of 95%. In summary, the available evidence is currently insufficient to determine the role of this variant in disease. Therefore, it has been classified as a Variant of Uncertain Significance.

NM_000038.6(APC):c.53T>C (p.Met18Thr)

Gene: APC (APC regulator of Wnt signaling pathway; plus strand). Cytogenetic location: 5q22.2.
Variant type: single nucleotide variant.
Coding change: c.53T>C on transcript NM_000038.6 (MANE Select); coding-DNA position 53, T replaced by C.
Protein change: p.Met18Thr; replaces methionine 18 with threonine.
Molecular consequence: missense variant. On other transcripts: 5 prime UTR variant (4), non-coding transcript variant (2), intron variant (11).
Genome position (GRCh38, 1-based): chr5:112,754,943, T>C. VCF-style: chr5-112754943-T-C. GRCh37 (hg19) VCF-style: chr5-112090640-T-C.
Other names: c.53T>C, p.Met18Thr (NM_001407460.1, NM_001407467.1, NM_001407469.1 and 16 more transcripts); c.-983T>C (NM_001407470.1, NM_001407471.1, NM_001407472.1 and 1 more transcripts); c.166-11383T>C (NM_001407446.1, NM_001354897.2, NM_001354902.2 and 1 more transcripts); c.-42-11383T>C (NM_001407453.1, NM_001354900.2, NM_001354901.2 and 1 more transcripts); c.61-11383T>C (NM_001407451.1, NM_001354898.2, NM_001354904.2); short protein forms M18T.
Identifiers: ClinVar variation 3635390 (VCV003635390.2).
Genomic context (GRCh38, chr5:112,754,943, plus strand): 5'-AGCCAAGGATGGCTGCAGCTTCATATGATCAGTTGTTAAAGCAAGTTGAGGCACTGAAGA[T>C]GGAGAACTCAAATCTTCGACAAGAGCTAGAAGATAATTCCAATCATCTTACAAAACTGGA-3'
Protein context (NP_000029.2, residues 8-28): QLLKQVEALK[Met18Thr]ENSNLRQELE